The following is an entry in ClinVar:

NM_005908.4(MANBA):c.379-1G>A

Gene: MANBA (mannosidase beta; minus strand). Cytogenetic location: 4q24.
Variant type: single nucleotide variant.
Coding change: c.379-1G>A on transcript NM_005908.4 (MANE Select); the canonical splice acceptor site of the intron before coding-DNA position 379, G replaced by A.
Molecular consequence: splice acceptor variant.
Genome position (GRCh38, 1-based): chr4:102,723,042, C>T on the plus strand (G>A on the coding strand, the complement: MANBA is on the minus strand). VCF-style: chr4-102723042-C-T. GRCh37 (hg19) VCF-style: chr4-103644199-C-T.
Identifiers: ClinVar variation 3685911 (VCV003685911.2).
Genomic context (GRCh38, chr4:102,723,042, plus strand): 5'-TGACTGGAAACGCAGCTCAATGGAGTTCACGTCCCTGACCACGTTGGTAATATCAAAGCT[C>T]TAAGTTAAAGGGAACAATCAGACAAACCCATGATGTGGAAGTAGTCTTGTGTGTAAAATT-3'

ClinVar aggregate classification (germline): Likely pathogenic (1 of 4 stars; one submission).

Conditions:
Beta-D-mannosidosis (MANSB). Also called: Beta-Mannosidosis; MANNOSIDOSIS, BETA A, LYSOSOMAL; BETA-MANNOSIDASE DEFICIENCY; LYSOSOMAL BETA-MANNOSIDASE DEFICIENCY. Identifiers: Orphanet 118, MedGen C4048196, MONDO:0009562, OMIM 248510.

Submission:

Labcorp Genetics (formerly Invitae), Labcorp
Classification: Likely pathogenic for Beta-D-mannosidosis. Last evaluated: 2024-02-25. Review status: criteria provided, single submitter. Criteria: Invitae Variant Classification Sherloc (09022015). Collection method: clinical testing. Allele origin: germline.
Comment: This sequence change affects an acceptor splice site in intron 3 of the MANBA gene. It is expected to disrupt RNA splicing. Variants that disrupt the donor or acceptor splice site typically lead to a loss of protein function (PMID: 16199547), and loss-of-function variants in MANBA are known to be pathogenic (PMID: 9384606, 12468273). This variant is not present in population databases (gnomAD no frequency). This variant has not been reported in the literature in individuals affected with MANBA-related conditions. Algorithms developed to predict the effect of sequence changes on RNA splicing suggest that this variant may disrupt the consensus splice site. In summary, the currently available evidence indicates that the variant is pathogenic, but additional data are needed to prove that conclusively. Therefore, this variant has been classified as Likely Pathogenic.

Literature cited by the submitters: PubMed 16199547; PubMed 9384606; PubMed 12468273.